The following is an entry in ClinVar:

NM_017612.5(ZCCHC8):c.1295A>C (p.Lys432Thr)

Gene: ZCCHC8 (zinc finger CCHC-type containing 8; minus strand). Cytogenetic location: 12q24.31.
Variant type: single nucleotide variant.
Coding change: c.1295A>C on transcript NM_017612.5 (MANE Select); coding-DNA position 1295, A replaced by C.
Protein change: p.Lys432Thr; replaces lysine 432 with threonine.
Molecular consequence: missense variant.
Genome position (GRCh38, 1-based): chr12:122,477,891, T>G on the plus strand (A>C on the coding strand, the complement: ZCCHC8 is on the minus strand). VCF-style: chr12-122477891-T-G. GRCh37 (hg19) VCF-style: chr12-122962438-T-G.
Other names: c.1064A>C, p.Lys355Thr (NM_001350935.2); c.998A>C, p.Lys333Thr (NM_001350936.2); c.581A>C, p.Lys194Thr (NM_001350937.2, NM_001350938.2); short protein forms K333T, K194T, K355T, K432T.
Identifiers: ClinVar variation 4705260 (VCV004705260.1).

ClinVar aggregate classification (germline): Uncertain significance (1 of 4 stars; one submission).

Submission:

Labcorp Genetics (formerly Invitae), Labcorp
Classification: Uncertain significance. Last evaluated: 2025-07-12. Review status: criteria provided, single submitter. Criteria: Invitae Variant Classification Sherloc (09022015). Collection method: clinical testing. Allele origin: germline.
Comment: This sequence change replaces lysine, which is basic and polar, with threonine, which is neutral and polar, at codon 432 of the ZCCHC8 protein (p.Lys432Thr). This variant is present in population databases (no rsID available, gnomAD 0.01%). This variant has not been reported in the literature in individuals affected with ZCCHC8-related conditions. Invitae Evidence Modeling of protein sequence and biophysical properties (such as structural, functional, and spatial information, amino acid conservation, physicochemical variation, residue mobility, and thermodynamic stability) indicates that this missense variant is expected to disrupt ZCCHC8 protein function with a positive predictive value of 80%. In summary, the available evidence is currently insufficient to determine the role of this variant in disease. Therefore, it has been classified as a Variant of Uncertain Significance.